The following is an entry in ClinVar:

ClinVar aggregate classification (germline): Likely pathogenic (1 of 4 stars; one submission).

Conditions:
Inborn genetic diseases. Identifiers: MedGen C0950123, MeSH D030342.

Submission:

Ambry Genetics
Classification: Likely pathogenic for Inborn genetic diseases. Last evaluated: 2023-05-09. Review status: criteria provided, single submitter. Criteria: Ambry Variant Classification Scheme 2023. Collection method: clinical testing. Allele origin: germline.
Comment: The c.3183_3194del12 (p.K1062_L1065del) alteration, located in coding exon 30 of the NCKAP1 gene, results from an in-frame deletion of 12 nucleotides at positions c.3183 to c.3194. This results in the deletion of 4 amino acids from codons 1062 to 1065. This variant was not reported in population-based cohorts in the Genome Aggregation Database (gnomAD). This amino acid region is highly conserved in available vertebrate species. This alteration is predicted to be deleterious by in silico analysis (Choi, 2012). Based on the available evidence, this alteration is classified as likely pathogenic.

NM_013436.5(NCKAP1):c.3165_3176del (p.Lys1056_Leu1059del)

Gene: NCKAP1 (NCK associated protein 1; minus strand). Cytogenetic location: 2q32.1.
Variant type: Deletion.
Coding change: c.3165_3176del on transcript NM_013436.5 (MANE Select); coding-DNA positions 3165 to 3176, 12 bases deleted (TAAAGAATTTCT).
Protein change: p.Lys1056_Leu1059del.
Molecular consequence: inframe deletion.
Genome position (GRCh38, 1-based): chr2:182,928,121-182,928,132, AGAAATTCTTTA deleted on the plus strand (TAAAGAATTTCT on the coding strand, the reverse complement: NCKAP1 is on the minus strand); deleting any 12 consecutive bases within chr2:182,928,121-182,928,135 gives the same sequence; the c. name uses the placement nearest the transcript's 3' end. VCF-style (leftmost placement, unchanged base first): chr2-182928120-CAGAAATTCTTTA-C. GRCh37 (hg19) VCF-style: chr2-183792848-CAGAAATTCTTTA-C.
Other names: c.3183_3194del, p.Lys1062_Leu1065del (NM_205842.3).
Identifiers: ClinVar variation 2530332 (VCV002530332.2), dbSNP rs2468538145, ClinGen allele CA2580616648.